The following is an entry in ClinVar:

ClinVar aggregate classification (germline): Likely pathogenic. Review status: criteria provided, single submitter (1 of 4 stars). 2 submissions from 2 submitters: Likely pathogenic (1). 1 of the submissions does not count toward it. Last evaluated 2015-06-17.

Conditions:
Meier-Gorlin syndrome 6. Identifiers: Orphanet 2554, MedGen C4225188, MONDO:0014794, OMIM 616835. Disease mechanism: gain of function.
Meier-Gorlin syndrome (MGORS1). Identifiers: Orphanet 2554, MedGen C1868684, MONDO:0016817. Disease mechanism: gain of function.

Submissions (2):

Baylor Genetics
Classification: Likely pathogenic for Meier-Gorlin syndrome. Last evaluated: 2015-06-17. Review status: criteria provided, single submitter. Criteria: Submitter's publication. Collection method: research. Allele origin: de novo. Inheritance: Autosomal dominant inheritance. Affected: yes. Study: GMNN.

OMIM
Classification: Pathogenic for MEIER-GORLIN SYNDROME 6. Last evaluated: 2015-12-03. Review status: no assertion criteria provided. Collection method: literature only. Allele origin: germline. Not counted in ClinVar's aggregate classification.

Literature cited by the submitters: PubMed 26637980 (cited by OMIM).

NM_015895.5(GMNN):c.50A>G (p.Lys17Arg)

Gene: GMNN (geminin DNA replication inhibitor; plus strand). Cytogenetic location: 6p22.3.
Variant type: single nucleotide variant.
Coding change: c.50A>G on transcript NM_015895.5 (MANE Select); coding-DNA position 50, A replaced by G.
Protein change: p.Lys17Arg; replaces lysine 17 with arginine.
Molecular consequence: missense variant.
Genome position (GRCh38, 1-based): chr6:24,777,296, A>G. VCF-style: chr6-24777296-A-G. GRCh37 (hg19) VCF-style: chr6-24777524-A-G.
Other names: c.50A>G, p.Lys17Arg (NM_001251989.2, NM_001251990.2, NM_001251991.1); short protein forms K17R.
Identifiers: ClinVar variation 204001 (VCV000204001.4), dbSNP rs864309488, ClinGen allele CA250416.